The following is an entry in ClinVar:

NC_000009.12:g.35658043_35658044insGCTGAGTAGTA

Gene: RMRP (RNA component of mitochondrial RNA processing endoribonuclease; minus strand). Cytogenetic location: 9p13.3.
Variant type: Insertion.
Genome position: GRCh38 VCF-style: chr9-35658035-A-AGAGTAGTAGCT. GRCh37 (hg19) VCF-style: chr9-35658032-A-AGAGTAGTAGCT.
Identifiers: ClinVar variation 1067061 (VCV001067061.13), dbSNP rs1554651544, ClinGen allele CA2499219895.
Genomic context (GRCh38, chr9:35,658,035, plus strand): 5'-AGTCCTCAGTGTGTAGCCTAGGATACAGGCCTTCAGCACGAACCACGTCCTCAGCTTCAC[A>AGAGTAGTAGCT]GAGTAGTATTTTATAGCCCTAAAGAAATTGTGTTTTATGATTAGGGTGAGAAAGTTGGTG-3'

ClinVar aggregate classification (germline): Likely pathogenic (1 of 4 stars; one submission).

Conditions:
Anauxetic dysplasia. Identifiers: Orphanet 93347, MedGen C1846796, MONDO:0011773.

Submission:

Labcorp Genetics (formerly Invitae), Labcorp
Classification: Likely pathogenic for Anauxetic dysplasia. Last evaluated: 2020-01-11. Review status: criteria provided, single submitter. Criteria: Invitae Variant Classification Sherloc (09022015). Collection method: clinical testing. Allele origin: germline.
Comment: In summary, the currently available evidence indicates that the variant is pathogenic, but additional data are needed to prove that conclusively. Therefore, this variant has been classified as Likely Pathogenic. While functional studies for this variant have not been reported, experimental analyses using patient derived cells, as well as in vitro transfection studies, have shown that promoter insertions result in silencing of RMRP transcription and reduced expression of the gene product (PMID: 11207361, 16254002). While this variant has not been reported in the literature, similar insertions and duplications immediately upstream of the coding sequence have been reported in individuals affected with cartilage-hair hypoplasia (PMID: 14608646, 16832578, 12107819, 16244706). The frequency data for this variant in the population databases is considered unreliable, as metrics indicate insufficient coverage at this position in the ExAC database. This variant occurs in the RMRP gene, which encodes an RNA molecule that does not result in a protein product.

Literature cited by the submitters: PubMed 11207361; PubMed 16254002; PubMed 14608646; PubMed 16832578; PubMed 12107819; PubMed 16244706.